The following is an entry in ClinVar:

ClinVar aggregate classification (germline): Conflicting classifications of pathogenicity. Review status: criteria provided, conflicting classifications (1 of 4 stars). 3 submissions from 3 submitters: Uncertain significance (1); Likely benign (1). 1 of the submissions does not count toward it. Last evaluated 2024-10-19.

Conditions:
Dextro-looped transposition of the great arteries. Also called: Dextrotransposition of the great arteries. Identifiers: Orphanet 860, MedGen C3531771, MONDO:0019443, OMIM 608808, HP:0031348.
MED13L-related disorder. Also called: MED13L-related condition.
Inborn genetic diseases. Identifiers: MedGen C0950123, MeSH D030342.

Allele frequency attached by ClinVar (database versions not stated): ExAC 0.00001; gnomAD 0.00001.
gnomAD v4.1: 15 of 1,614,040 alleles (0.00093%); highest among the groups gnomAD compares: Non-Finnish European, 0.0013%; no homozygotes.

Submissions (3):

Ambry Genetics
Classification: Likely benign for Inborn genetic diseases. Last evaluated: 2024-10-19. Review status: criteria provided, single submitter. Criteria: Ambry Variant Classification Scheme 2023. Collection method: clinical testing. Allele origin: germline.

Labcorp Genetics (formerly Invitae), Labcorp
Classification: Uncertain significance for Dextro-looped transposition of the great arteries. Last evaluated: 2023-08-09. Review status: criteria provided, single submitter. Criteria: Invitae Variant Classification Sherloc (09022015). Collection method: clinical testing. Allele origin: germline.
Comment: This variant is present in population databases (rs751953837, gnomAD 0.002%). This sequence change replaces proline, which is neutral and non-polar, with alanine, which is neutral and non-polar, at codon 989 of the MED13L protein (p.Pro989Ala). This variant has not been reported in the literature in individuals affected with MED13L-related conditions. In summary, the available evidence is currently insufficient to determine the role of this variant in disease. Therefore, it has been classified as a Variant of Uncertain Significance. Advanced modeling of protein sequence and biophysical properties (such as structural, functional, and spatial information, amino acid conservation, physicochemical variation, residue mobility, and thermodynamic stability) performed at Invitae indicates that this missense variant is not expected to disrupt MED13L protein function.

PreventionGenetics, part of Exact Sciences
Classification: Uncertain significance for MED13L-related condition. Last evaluated: 2024-02-08. Review status: no assertion criteria provided. Collection method: clinical testing. Allele origin: germline. Not counted in ClinVar's aggregate classification.
Comment: The MED13L c.2965C>G variant is predicted to result in the amino acid substitution p.Pro989Ala. To our knowledge, this variant has not been reported in the literature. This variant is reported in 0.001% of alleles in individuals in gnomAD. At this time, the clinical significance of this variant is uncertain due to the absence of conclusive functional and genetic evidence.

NM_015335.5(MED13L):c.2965C>G (p.Pro989Ala)

Gene: MED13L (mediator complex subunit 13L; minus strand). Cytogenetic location: 12q24.21.
Variant type: single nucleotide variant.
Coding change: c.2965C>G on transcript NM_015335.5 (MANE Select); coding-DNA position 2965, C replaced by G.
Protein change: p.Pro989Ala; replaces proline 989 with alanine.
Molecular consequence: missense variant.
Genome position (GRCh38, 1-based): chr12:115,996,507, G>C on the plus strand (C>G on the coding strand, the complement: MED13L is on the minus strand). VCF-style: chr12-115996507-G-C. GRCh37 (hg19) VCF-style: chr12-116434312-G-C.
Other names: c.2965C>G (NM_015335.4); short protein forms P989A.
Identifiers: ClinVar variation 2716935 (VCV002716935.6), dbSNP rs751953837, ClinGen allele CA6811066.
Genomic context (GRCh38, chr12:115,996,507, plus strand): 5'-CAAGTAAATGACACAATCCCTATACATACTTGTAGCCATCTCTAATGAAAGTGGCTGCAG[G>C]GGGCATGGGCAGTTGTTCAATTTTAGGAGGAATTGCCCATGAAGGCCGAAACAGACAGGC-3'
Protein context (NP_056150.1, residues 979-999): PPKIEQLPMP[Pro989Ala]AATFIRDGYN